The following is an entry in ClinVar:

NM_000260.4(MYO7A):c.3249C>A (p.Tyr1083Ter)

Gene: MYO7A (myosin VIIA; plus strand). Cytogenetic location: 11q13.5.
Variant type: single nucleotide variant.
Coding change: c.3249C>A on transcript NM_000260.4 (MANE Select); coding-DNA position 3249, C replaced by A.
Protein change: p.Tyr1083Ter; replaces tyrosine 1083 with a stop codon.
Molecular consequence: nonsense.
Genome position (GRCh38, 1-based): chr11:77,182,564, C>A. VCF-style: chr11-77182564-C-A. GRCh37 (hg19) VCF-style: chr11-76893609-C-A.
Other names: c.3249C>A, p.Tyr1083Ter (NM_001127180.2); c.3216C>A, p.Tyr1072Ter (NM_001369365.1); short protein forms Y1072*, Y1083*.
Identifiers: ClinVar variation 1075115 (VCV001075115.7), dbSNP rs1412474435, ClinGen allele CA381945002.

ClinVar aggregate classification (germline): Pathogenic (1 of 4 stars; one submission).

Allele frequency attached by ClinVar (database versions not stated): gnomAD exomes below 0.00001; gnomAD 0.00001; TOPMed 0.00001.
gnomAD v4.1: 8 of 1,613,118 alleles (0.0005%); highest among the groups gnomAD compares: Admixed American, 0.0017%; no homozygotes.

Submission:

Labcorp Genetics (formerly Invitae), Labcorp
Classification: Pathogenic. Last evaluated: 2022-04-28. Review status: criteria provided, single submitter. Criteria: Invitae Variant Classification Sherloc (09022015). Collection method: clinical testing. Allele origin: germline.
Comment: For these reasons, this variant has been classified as Pathogenic. ClinVar contains an entry for this variant (Variation ID: 1075115). This variant has not been reported in the literature in individuals affected with MYO7A-related conditions. This variant is not present in population databases (gnomAD no frequency). This sequence change creates a premature translational stop signal (p.Tyr1083*) in the MYO7A gene. It is expected to result in an absent or disrupted protein product. Loss-of-function variants in MYO7A are known to be pathogenic (PMID: 8900236, 25404053).

Literature cited by the submitters: PubMed 8900236; PubMed 25404053.